The following is an entry in ClinVar:

ClinVar aggregate classification (germline): Uncertain significance (1 of 4 stars; one submission).

Conditions:
Hereditary cancer-predisposing syndrome. Also called: Neoplastic Syndromes, Hereditary; Tumor predisposition; Hereditary neoplastic syndrome; Hereditary Cancer Syndrome. Identifiers: Orphanet 140162, MedGen C0027672, MeSH D009386, MONDO:0015356.

Submission:

Ambry Genetics
Classification: Uncertain significance for Hereditary cancer-predisposing syndrome. Last evaluated: 2026-08-23. Review status: criteria provided, single submitter. Criteria: Ambry Variant Classification Scheme 2023. Collection method: clinical testing. Allele origin: germline.
Comment: The p.N499K variant (also known as c.1497C>A), located in coding exon 14 of the NF2 gene, results from a C to A substitution at nucleotide position 1497. The asparagine at codon 499 is replaced by lysine, an amino acid with similar properties. This amino acid position is conserved. In addition, this alteration is predicted to be tolerated by in silico analysis. Based on the available evidence, the clinical significance of this variant remains unclear.

NM_000268.4(NF2):c.1497C>A (p.Asn499Lys)

Gene: NF2 (NF2, moesin-ezrin-radixin like (MERLIN) tumor suppressor; plus strand). Cytogenetic location: 22q12.2.
Variant type: single nucleotide variant.
Coding change: c.1497C>A on transcript NM_000268.4 (MANE Select); coding-DNA position 1497, C replaced by A.
Protein change: p.Asn499Lys; replaces asparagine 499 with lysine.
Molecular consequence: missense variant. On other transcripts: non-coding transcript variant (1), intron variant (1).
Genome position (GRCh38, 1-based): chr22:29,678,246, C>A. VCF-style: chr22-29678246-C-A. GRCh37 (hg19) VCF-style: chr22-30074235-C-A.
Other names: c.1248C>A, p.Asn416Lys (NM_181831.3, NM_001407063.1, NM_001407064.1 and 1 more transcripts); c.1497C>A, p.Asn499Lys (NM_181832.3, NM_001407060.1, NM_001407066.1 and 2 more transcripts); c.448-16506C>A (NM_181833.3); c.1383C>A, p.Asn461Lys (NM_001407053.1, NM_001407056.1); c.1374C>A, p.Asn458Lys (NM_001407054.1, NM_001407058.1, NM_181829.3); c.1371C>A, p.Asn457Lys (NM_001407055.1, NM_181828.3); c.1362C>A, p.Asn454Lys (NM_001407057.1, NM_001407059.1); c.1239C>A, p.Asn413Lys (NM_001407062.1); and 2 more; short protein forms N461K, N499K, N413K, N458K, N422K, N454K, N321K, N416K.
Identifiers: ClinVar variation 5025716 (VCV005025716.1).